The following is an entry in ClinVar:

ClinVar aggregate classification (germline): Uncertain significance (1 of 4 stars; one submission).

Conditions:
Epileptic encephalopathy. Identifiers: MedGen C0543888, HP:0200134.

Allele frequency attached by ClinVar (database versions not stated): gnomAD exomes below 0.00001 and 0.00001; TOPMed below 0.00001; gnomAD 0.00001; ExAC 0.00005; ESP Exome Variant Server 0.00009.
gnomAD v4.1: 5 of 1,551,830 alleles (0.00032%); highest among the groups gnomAD compares: Admixed American, 0.002%; no homozygotes.

Submission:

Labcorp Genetics (formerly Invitae), Labcorp
Classification: Uncertain significance for Epileptic encephalopathy. Last evaluated: 2018-12-04. Review status: criteria provided, single submitter. Criteria: Invitae Variant Classification Sherloc (09022015). Collection method: clinical testing. Allele origin: germline.
Comment: In summary, the available evidence is currently insufficient to determine the role of this variant in disease. Therefore, it has been classified as a Variant of Uncertain Significance. Algorithms developed to predict the effect of missense changes on protein structure and function (SIFT, PolyPhen-2, Align-GVGD) all suggest that this variant is likely to be tolerated, but these predictions have not been confirmed by published functional studies and their clinical significance is uncertain. This variant has not been reported in the literature in individuals with RYR3-related conditions. This variant is present in population databases (rs376792088, ExAC 0.01%). This sequence change replaces glutamine with arginine at codon 3340 of the RYR3 protein (p.Gln3340Arg). The glutamine residue is moderately conserved and there is a small physicochemical difference between glutamine and arginine.

NM_001036.6(RYR3):c.10019A>G (p.Gln3340Arg)

Gene: RYR3 (ryanodine receptor 3; plus strand). Cytogenetic location: 15q14.
Variant type: single nucleotide variant.
Coding change: c.10019A>G on transcript NM_001036.6 (MANE Select); coding-DNA position 10019, A replaced by G.
Protein change: p.Gln3340Arg; replaces glutamine 3340 with arginine.
Molecular consequence: missense variant. On other transcripts: intron variant (1).
Genome position (GRCh38, 1-based): chr15:33,807,562, A>G. VCF-style: chr15-33807562-A-G. GRCh37 (hg19) VCF-style: chr15-34099763-A-G.
Other names: c.10012-2917A>G (NM_001243996.4); short protein forms Q3340R.
Identifiers: ClinVar variation 665679 (VCV000665679.8), dbSNP rs376792088, ClinGen allele CA7460707.